The following is an entry in ClinVar:

NM_001375524.1(TRRAP):c.11424G>A (p.Ser3808=)

Gene: TRRAP (transformation/transcription domain associated protein; plus strand). Cytogenetic location: 7q22.1.
Variant type: single nucleotide variant.
Coding change: c.11424G>A on transcript NM_001375524.1 (MANE Select); coding-DNA position 11424, G replaced by A.
Protein change: p.Ser3808=; no amino-acid change (serine 3808 retained).
Molecular consequence: synonymous variant.
Genome position (GRCh38, 1-based): chr7:99,012,157, G>A. VCF-style: chr7-99012157-G-A. GRCh37 (hg19) VCF-style: chr7-98609780-G-A.
Other names: c.11382G>A, p.Ser3794= (NM_001244580.2); c.11295G>A, p.Ser3765= (NM_003496.4); c.11295G>A (NM_003496.3).
Identifiers: ClinVar variation 2076163 (VCV002076163.5), dbSNP rs75387850, ClinGen allele CA4362174.

ClinVar aggregate classification (germline): Likely benign. Review status: criteria provided, multiple submitters, no conflicts (2 of 4 stars). 2 submissions from 2 submitters: Likely benign (2). Last evaluated 2026-05-28.

Conditions:
TRRAP-related disorder. Also called: TRRAP-related condition.

Allele frequency attached by ClinVar (database versions not stated): TOPMed 0.00005; ExAC 0.00007; gnomAD 0.00014; gnomAD exomes 0.00034; 1000 Genomes Project 30x 0.00078; 1000 Genomes Project 0.00100.
gnomAD v4.1: 500 of 1,614,154 alleles (0.031%); highest among the groups gnomAD compares: East Asian, 1.1%; 5 homozygotes.

Submissions (2):

PreventionGenetics, part of Exact Sciences
Classification: Likely benign for TRRAP-related condition. Last evaluated: 2026-05-28. Review status: criteria provided, single submitter. Criteria: ACMG Guidelines, 2015. Collection method: clinical testing. Allele origin: germline.
Comment: This variant is classified as likely benign based on ACMG/AMP sequence variant interpretation guidelines (Richards et al. 2015 PMID: 25741868, with internal and published modifications).

Labcorp Genetics (formerly Invitae), Labcorp
Classification: Likely benign. Last evaluated: 2025-10-26. Review status: criteria provided, single submitter. Criteria: Invitae Variant Classification Sherloc (09022015). Collection method: clinical testing. Allele origin: germline.